The following is an entry in ClinVar:

ClinVar aggregate classification (germline): Likely benign. Review status: criteria provided, multiple submitters, no conflicts (2 of 4 stars). 2 submissions from 2 submitters: Likely benign (2). Last evaluated 2026-03-01.

Conditions:
Parkinsonism-dystonia, infantile. Identifiers: Orphanet 238455, MedGen C2751067, MONDO:0013150.

Allele frequency attached by ClinVar (database versions not stated): ExAC 0.00001; gnomAD 0.00001; TOPMed 0.00002.
gnomAD v4.1: 16 of 1,613,080 alleles (0.00099%); highest among the groups gnomAD compares: Middle Eastern, 0.016%; no homozygotes.

Submissions (2):

CeGaT Center for Human Genetics Tuebingen
Classification: Likely benign. Last evaluated: 2026-03-01. Review status: criteria provided, single submitter. Criteria: CeGaT Center For Human Genetics Tuebingen Variant Classification Criteria Version 2. Collection method: clinical testing. Allele origin: germline. Affected: yes. Observed: 1 variant allele.
Comment: SLC6A3: BP4, BP7

Labcorp Genetics (formerly Invitae), Labcorp
Classification: Likely benign for Parkinsonism-dystonia, infantile. Last evaluated: 2025-04-03. Review status: criteria provided, single submitter. Criteria: Invitae Variant Classification Sherloc (09022015). Collection method: clinical testing. Allele origin: germline.

NM_001044.5(SLC6A3):c.774C>T (p.Gly258=)

Gene: SLC6A3 (solute carrier family 6 member 3). Cytogenetic location: 5p15.33.
Variant type: single nucleotide variant.
Coding change: c.774C>T on transcript NM_001044.5 (MANE Select); coding-DNA position 774, C replaced by T.
Protein change: p.Gly258=; no amino-acid change (glycine 258 retained).
Molecular consequence: synonymous variant.
Genome position (GRCh38, 1-based): chr5:1,421,894, G>A on the plus strand (C>T on the coding strand, the complement: SLC6A3 is on the minus strand). VCF-style: chr5-1421894-G-A. GRCh37 (hg19) VCF-style: chr5-1422009-G-A.
Identifiers: ClinVar variation 2171463 (VCV002171463.8), dbSNP rs751934788, ClinGen allele CA3186274.